The following is an entry in ClinVar:

NM_001042492.3(NF1):c.6764T>G (p.Ile2255Ser)

Gene: NF1 (neurofibromin 1; plus strand). Cytogenetic location: 17q11.2.
Variant type: single nucleotide variant.
Coding change: c.6764T>G on transcript NM_001042492.3 (MANE Select); coding-DNA position 6764, T replaced by G.
Protein change: p.Ile2255Ser; replaces isoleucine 2255 with serine.
Molecular consequence: missense variant.
Genome position (GRCh38, 1-based): chr17:31,338,084, T>G. VCF-style: chr17-31338084-T-G. GRCh37 (hg19) VCF-style: chr17-29665102-T-G.
Other names: c.6701T>G, p.Ile2234Ser (NM_000267.4); short protein forms I2234S, I2255S.
Identifiers: ClinVar variation 947035 (VCV000947035.7), dbSNP rs2069726396, ClinGen allele CA399014110.

ClinVar aggregate classification (germline): Uncertain significance. Review status: criteria provided, multiple submitters, no conflicts (2 of 4 stars). 2 submissions from 2 submitters: Uncertain significance (2). Last evaluated 2025-09-17.

Conditions:
Hereditary cancer-predisposing syndrome. Also called: Neoplastic Syndromes, Hereditary; Hereditary neoplastic syndrome; Hereditary Cancer Syndrome; Tumor predisposition. Identifiers: Orphanet 140162, MedGen C0027672, MeSH D009386, MONDO:0015356.
Cardiovascular phenotype. Identifiers: MedGen CN230736.
Neurofibromatosis, type 1 (NF1). Also called: Peripheral type neurofibromatosis; Neurofibromatosis, type I; VON RECKLINGHAUSEN DISEASE; NEUROFIBROMATOSIS, TYPE I, SOMATIC. Identifiers: Orphanet 636, MedGen C0027831, MONDO:0018975, OMIM 162200. Disease mechanism: loss of function.

Submissions (2):

Ambry Genetics
Classification: Uncertain significance for Cardiovascular phenotype; Hereditary cancer-predisposing syndrome. Last evaluated: 2025-09-17. Review status: criteria provided, single submitter. Criteria: Ambry Variant Classification Scheme 2023. Collection method: clinical testing. Allele origin: germline.
Comment: The p.I2234S variant (also known as c.6701T>G), located in coding exon 44 of the NF1 gene, results from a T to G substitution at nucleotide position 6701. The isoleucine at codon 2234 is replaced by serine, an amino acid with dissimilar properties. This amino acid position is conserved. In addition, this alteration is predicted to be deleterious by in silico analysis. Based on the available evidence, the clinical significance of this variant remains unclear.

Labcorp Genetics (formerly Invitae), Labcorp
Classification: Uncertain significance for Neurofibromatosis, type 1. Last evaluated: 2019-05-02. Review status: criteria provided, single submitter. Criteria: Invitae Variant Classification Sherloc (09022015). Collection method: clinical testing. Allele origin: germline.
Comment: This variant has not been reported in the literature in individuals with NF1-related conditions. Algorithms developed to predict the effect of missense changes on protein structure and function are either unavailable or do not agree on the potential impact of this missense change (SIFT: "Deleterious"; PolyPhen-2: "Probably Damaging"; Align-GVGD: "Class C0"). Algorithms developed to predict the effect of sequence changes on RNA splicing suggest that this variant may create or strengthen a splice site, but this prediction has not been confirmed by published transcriptional studies. In summary, the available evidence is currently insufficient to determine the role of this variant in disease. Therefore, it has been classified as a Variant of Uncertain Significance. This variant is not present in population databases (ExAC no frequency). This sequence change replaces isoleucine with serine at codon 2234 of the NF1 protein (p.Ile2234Ser). The isoleucine residue is moderately conserved and there is a large physicochemical difference between isoleucine and serine.